The following is an entry in ClinVar:

ClinVar aggregate classification (germline): Likely benign. Review status: criteria provided, multiple submitters, no conflicts (2 of 4 stars). 2 submissions from 2 submitters: Likely benign (2). Last evaluated 2025-11-30.

Conditions:
RP1L1-related disorder. Also called: RP1L1-related condition.

gnomAD v4.1: 9 of 1,612,866 alleles (0.00056%); highest among the groups gnomAD compares: African/African-American, 0.0013%; no homozygotes.

Submissions (2):

PreventionGenetics, part of Exact Sciences
Classification: Likely benign for RP1L1-related condition. Last evaluated: 2025-11-30. Review status: criteria provided, single submitter. Criteria: ACMG Guidelines, 2015. Collection method: clinical testing. Allele origin: germline.
Comment: This variant is classified as likely benign based on ACMG/AMP sequence variant interpretation guidelines (Richards et al. 2015 PMID: 25741868, with internal and published modifications).

Blueprint Genetics
Classification: Likely benign. Last evaluated: 2019-09-26. Review status: criteria provided, single submitter. Criteria: ACMG Guidelines, 2015. Collection method: clinical testing. Allele origin: germline.

NM_178857.6(RP1L1):c.864T>C (p.Ala288=)

Gene: RP1L1 (RP1 like 1). Cytogenetic location: 8p23.1.
Variant type: single nucleotide variant.
Coding change: c.864T>C on transcript NM_178857.6 (MANE Select); coding-DNA position 864, T replaced by C.
Protein change: p.Ala288=; no amino-acid change (alanine 288 retained).
Molecular consequence: synonymous variant.
Genome position (GRCh38, 1-based): chr8:10,613,234, A>G on the plus strand (T>C on the coding strand, the complement: RP1L1 is on the minus strand). VCF-style: chr8-10613234-A-G. GRCh37 (hg19) VCF-style: chr8-10470744-A-G.
Other names: c.864T>C (NM_178857.5).
Identifiers: ClinVar variation 4899415 (VCV004899415.2).